The following is an entry in ClinVar:

ClinVar aggregate classification (germline): Likely benign (1 of 4 stars; one submission).

Submission:

CeGaT Center for Human Genetics Tuebingen
Classification: Likely benign. Last evaluated: 2025-07-01. Review status: criteria provided, single submitter. Criteria: CeGaT Center For Human Genetics Tuebingen Variant Classification Criteria Version 2. Collection method: clinical testing. Allele origin: germline. Affected: yes. Observed: 1 variant allele.
Comment: RYR2: PM2:Supporting, BP4, BP7

NM_001035.3(RYR2):c.10986T>C (p.Asp3662=)

Gene: RYR2 (ryanodine receptor 2; plus strand). Cytogenetic location: 1q43.
Variant type: single nucleotide variant.
Coding change: c.10986T>C on transcript NM_001035.3 (MANE Select); coding-DNA position 10986, T replaced by C.
Protein change: p.Asp3662=; no amino-acid change (aspartic acid 3662 retained).
Molecular consequence: synonymous variant.
Genome position (GRCh38, 1-based): chr1:237,732,096, T>C. VCF-style: chr1-237732096-T-C. GRCh37 (hg19) VCF-style: chr1-237895396-T-C.
Identifiers: ClinVar variation 4084780 (VCV004084780.8).